The following is an entry in ClinVar:

NM_025150.5(TARS2):c.696-5C>T

Genes: MIR6878 (microRNA 6878; plus strand), TARS2 (threonyl-tRNA synthetase 2, mitochondrial; plus strand). Cytogenetic location: 1q21.2.
Variant type: single nucleotide variant.
Coding change: c.696-5C>T on transcript NM_025150.5 (MANE Select); 5 bases into the intron before coding-DNA position 696, C replaced by T.
Molecular consequence: intron variant. On other transcripts: non-coding transcript variant (1).
Genome position (GRCh38, 1-based): chr1:150,492,406, C>T. VCF-style: chr1-150492406-C-T. GRCh37 (hg19) VCF-style: chr1-150464882-C-T.
Other names: c.696-5C>T (NM_025150.4, NM_001271895.2); c.630+895C>T (NM_001271896.2).
Identifiers: ClinVar variation 2066981 (VCV002066981.6), dbSNP rs373434114, ClinGen allele CA1076787.
Genomic context (GRCh38, chr1:150,492,406, plus strand): 5'-TGAGAGGGAGAAAGCTAGAAGCTGAAGATTCTGAAAATCACTAACTGGCCTCTTCTTTCT[C>T]CTAGGTGTGGCACATTGGTTGACCTTTGCCAGGGCCCCCACCTTCGGCATACTGGACAGA-3'

ClinVar aggregate classification (germline): Likely benign. Review status: criteria provided, single submitter (1 of 4 stars). 2 submissions from 2 submitters: Likely benign (1). 1 of the submissions does not count toward it. Last evaluated 2025-01-06.

Conditions:
TARS2-related disorder. Also called: TARS2-related condition.

Allele frequency attached by ClinVar (database versions not stated): gnomAD 0.00005; gnomAD exomes 0.00009; ExAC 0.00015.
gnomAD v4.1: 138 of 1,613,870 alleles (0.0086%); highest among the groups gnomAD compares: Non-Finnish European, 0.011%; no homozygotes.

Submissions (2):

Labcorp Genetics (formerly Invitae), Labcorp
Classification: Likely benign. Last evaluated: 2025-01-06. Review status: criteria provided, single submitter. Criteria: Invitae Variant Classification Sherloc (09022015). Collection method: clinical testing. Allele origin: germline.

PreventionGenetics, part of Exact Sciences
Classification: Likely benign for TARS2-related condition. Last evaluated: 2020-11-16. Review status: no assertion criteria provided. Collection method: clinical testing. Allele origin: germline. Not counted in ClinVar's aggregate classification.
Comment: This variant is classified as likely benign based on ACMG/AMP sequence variant interpretation guidelines (Richards et al. 2015 PMID: 25741868, with internal and published modifications).